The following is an entry in ClinVar:

ClinVar aggregate classification (germline): Uncertain significance. Review status: criteria provided, multiple submitters, no conflicts (2 of 4 stars). 3 submissions from 3 submitters: Uncertain significance (3). Last evaluated 2023-10-01.

Conditions:
Retinal dystrophy. Also called: Inherited retinal dystrophy. Identifiers: Orphanet 71862, MedGen C0854723, MeSH D058499, MONDO:0019118, HP:0000556.
Type 2 diabetes mellitus. Also called: Type II diabetes mellitus. Identifiers: MedGen C0011860, MeSH D003924, MONDO:0005148, OMIM 125853, HP:0005978.
Maturity-onset diabetes of the young type 6 (MODY6). Identifiers: Orphanet 552, MedGen C1853371, MONDO:0011668, OMIM 606394.

Allele frequency attached by ClinVar (database versions not stated): gnomAD 0.00001; gnomAD exomes 0.00001 and 0.00002; ExAC 0.00002.
gnomAD v4.1: 36 of 1,613,524 alleles (0.0022%); highest among the groups gnomAD compares: East Asian, 0.08%; no homozygotes.

Submissions (3):

Dept Of Ophthalmology, Nagoya University
Classification: Uncertain significance for Retinal dystrophy. Last evaluated: 2023-10-01. Review status: criteria provided, single submitter. Criteria: Submitter's publication. Collection method: research. Allele origin: germline. Affected: yes.

Labcorp Genetics (formerly Invitae), Labcorp
Classification: Uncertain significance. Last evaluated: 2022-07-12. Review status: criteria provided, single submitter. Criteria: Invitae Variant Classification Sherloc (09022015). Collection method: clinical testing. Allele origin: germline.
Comment: This variant has not been reported in the literature in individuals affected with NEUROD1-related conditions. This variant is present in population databases (rs766645933, gnomAD 0.02%). This sequence change replaces leucine, which is neutral and non-polar, with phenylalanine, which is neutral and non-polar, at codon 27 of the NEUROD1 protein (p.Leu27Phe). ClinVar contains an entry for this variant (Variation ID: 1438002). Algorithms developed to predict the effect of missense changes on protein structure and function are either unavailable or do not agree on the potential impact of this missense change (SIFT: "Deleterious"; PolyPhen-2: "Benign"; Align-GVGD: "Class C0"). In summary, the available evidence is currently insufficient to determine the role of this variant in disease. Therefore, it has been classified as a Variant of Uncertain Significance.

Fulgent Genetics
Classification: Uncertain significance for Type 2 diabetes mellitus; Maturity-onset diabetes of the young type 6. Last evaluated: 2021-12-28. Review status: criteria provided, single submitter. Criteria: ACMG Guidelines, 2015. Collection method: clinical testing. Allele origin: unknown.

NM_002500.5(NEUROD1):c.79C>T (p.Leu27Phe)

Gene: NEUROD1 (neuronal differentiation 1; minus strand). Cytogenetic location: 2q31.3.
Variant type: single nucleotide variant.
Coding change: c.79C>T on transcript NM_002500.5 (MANE Select); coding-DNA position 79, C replaced by T.
Protein change: p.Leu27Phe; replaces leucine 27 with phenylalanine.
Molecular consequence: missense variant.
Genome position (GRCh38, 1-based): chr2:181,678,782, G>A on the plus strand (C>T on the coding strand, the complement: NEUROD1 is on the minus strand). VCF-style: chr2-181678782-G-A. GRCh37 (hg19) VCF-style: chr2-182543509-G-A.
Other names: short protein forms L27F.
Identifiers: ClinVar variation 1438002 (VCV001438002.8), dbSNP rs766645933, ClinGen allele CA2011192.
Genomic context (GRCh38, chr2:181,678,782, plus strand): 5'-TCATGGTTTCGAGGTCGTCCTCCTTCTTGTCTGCCTCGTGCTCCTCGTCCTGAGAACTGA[G>A]ACACTCGTCTGTCCAGCTTGGAGGACCTTGGGGCTGAGGCTCGCCCATCAGCCCACTCTC-3'
Protein context (NP_002491.3, residues 17-37): QGPPSWTDEC[Leu27Phe]SSQDEEHEAD